The following is an entry in ClinVar:

ClinVar aggregate classification (germline): Uncertain significance (1 of 4 stars; one submission).

Submission:

GeneDx
Classification: Uncertain significance. Last evaluated: 2026-02-19. Review status: criteria provided, single submitter. Criteria: GeneDx Variant Classification Process June 2021. Collection method: clinical testing. Allele origin: germline.
Comment: Not observed at significant frequency in large population cohorts (gnomAD); In silico analysis supports that this missense variant has a deleterious effect on protein structure/function; Has not been previously published as pathogenic or benign to our knowledge

NM_030665.4(RAI1):c.1614C>A (p.Ser538Arg)

Gene: RAI1 (retinoic acid induced 1; plus strand). Cytogenetic location: 17p11.2.
Variant type: single nucleotide variant.
Coding change: c.1614C>A on transcript NM_030665.4 (MANE Select); coding-DNA position 1614, C replaced by A.
Protein change: p.Ser538Arg; replaces serine 538 with arginine.
Molecular consequence: missense variant.
Genome position (GRCh38, 1-based): chr17:17,794,562, C>A. VCF-style: chr17-17794562-C-A. GRCh37 (hg19) VCF-style: chr17-17697876-C-A.
Other names: short protein forms S538R.
Identifiers: ClinVar variation 5009860 (VCV005009860.1).
Genomic context (GRCh38, chr17:17,794,562, plus strand): 5'-GAGCGGCTCCGAGGACCCACTGGAGCGCAGCTTCCTCTACTGCAACCAGGCCCGTGGCAG[C>A]CCTGCCAGGGTCAACAGCAACTCGAAGGCCAAGCCCGAGTCCGTGTCCACCTGTTCTGTG-3'
Protein context (NP_109590.3, residues 528-548): SFLYCNQARG[Ser538Arg]PARVNSNSKA